The following is an entry in ClinVar:

ClinVar aggregate classification (germline): Uncertain significance (1 of 4 stars; one submission).

Conditions:
Acromesomelic dysplasia 1, Maroteaux type (AMD1). Also called: ST. HELENA DYSPLASIA; ACROMESOMELIC DYSPLASIA 1. Identifiers: Orphanet 40, MedGen C1864356, MONDO:0011275, OMIM 602875.
Tall stature-scoliosis-macrodactyly of the great toes syndrome. Also called: Epiphyseal chondrodysplasia, miura type. Identifiers: Orphanet 329191, MedGen C4014690, MONDO:0014401, OMIM 615923.

Allele frequency attached by ClinVar (database versions not stated): gnomAD exomes below 0.00001.
gnomAD v4.1: 1 of 1,614,132 alleles (0.000062%); highest among the groups gnomAD compares: Non-Finnish European, 0.000085%; no homozygotes.

Submission:

Labcorp Genetics (formerly Invitae), Labcorp
Classification: Uncertain significance for Tall stature-scoliosis-macrodactyly of the great toes syndrome; Acromesomelic dysplasia 1, Maroteaux type. Last evaluated: 2023-11-03. Review status: criteria provided, single submitter. Criteria: Invitae Variant Classification Sherloc (09022015). Collection method: clinical testing. Allele origin: germline.
Comment: This sequence change replaces valine, which is neutral and non-polar, with alanine, which is neutral and non-polar, at codon 102 of the NPR2 protein (p.Val102Ala). This variant is not present in population databases (gnomAD no frequency). This variant has not been reported in the literature in individuals affected with NPR2-related conditions. Advanced modeling of protein sequence and biophysical properties (such as structural, functional, and spatial information, amino acid conservation, physicochemical variation, residue mobility, and thermodynamic stability) performed at Invitae indicates that this missense variant is not expected to disrupt NPR2 protein function with a negative predictive value of 80%. In summary, the available evidence is currently insufficient to determine the role of this variant in disease. Therefore, it has been classified as a Variant of Uncertain Significance.

NM_003995.4(NPR2):c.305T>C (p.Val102Ala)

Gene: NPR2 (natriuretic peptide receptor 2; plus strand). Cytogenetic location: 9p13.3.
Variant type: single nucleotide variant.
Coding change: c.305T>C on transcript NM_003995.4 (MANE Select); coding-DNA position 305, T replaced by C.
Protein change: p.Val102Ala; replaces valine 102 with alanine.
Molecular consequence: missense variant.
Genome position (GRCh38, 1-based): chr9:35,792,713, T>C. VCF-style: chr9-35792713-T-C. GRCh37 (hg19) VCF-style: chr9-35792710-T-C.
Other names: c.305T>C, p.Val102Ala (NM_001378923.1); short protein forms V102A.
Identifiers: ClinVar variation 2927421 (VCV002927421.3), dbSNP rs2491028711, ClinGen allele CA373363096.
Genomic context (GRCh38, chr9:35,792,713, plus strand): 5'-TGAGCGCTGTGGACCTCAAGCTGTACCATGACCCCGACCTGCTGTTAGGTCCCGGTTGCG[T>C]GTACCCTGCTGCCTCTGTGGCCCGCTTTGCCTCCCACTGGCGCCTTCCCCTGCTGACTGC-3'
Protein context (NP_003986.2, residues 92-112): DPDLLLGPGC[Val102Ala]YPAASVARFA